The following is an entry in ClinVar:

NM_017570.5(OPLAH):c.2848C>T (p.Gln950Ter)

Gene: OPLAH (5-oxoprolinase, ATP-hydrolysing; minus strand). Cytogenetic location: 8q24.3.
Variant type: single nucleotide variant.
Coding change: c.2848C>T on transcript NM_017570.5 (MANE Select); coding-DNA position 2848, C replaced by T.
Protein change: p.Gln950Ter; replaces glutamine 950 with a stop codon.
Molecular consequence: nonsense.
Genome position (GRCh38, 1-based): chr8:144,053,232, G>A on the plus strand (C>T on the coding strand, the complement: OPLAH is on the minus strand). VCF-style: chr8-144053232-G-A. GRCh37 (hg19) VCF-style: chr8-145108135-G-A.
Other names: short protein forms Q950*.
Identifiers: ClinVar variation 3052754 (VCV003052754.2), dbSNP rs1430134820, ClinGen allele CA372538600.

ClinVar aggregate classification (germline): Likely pathogenic (0 of 4 stars; one submission).

Conditions:
OPLAH-related disorder. Also called: OPLAH-related condition.

Allele frequency attached by ClinVar (database versions not stated): TOPMed below 0.00001; gnomAD 0.00001; gnomAD exomes 0.00001.
gnomAD v4.1: 6 of 1,612,698 alleles (0.00037%); highest among the groups gnomAD compares: East Asian, 0.0022%; no homozygotes.

Submission:

PreventionGenetics, part of Exact Sciences
Classification: Likely pathogenic for OPLAH-related condition. Last evaluated: 2023-11-07. Review status: no assertion criteria provided. Collection method: clinical testing. Allele origin: germline.
Comment: The OPLAH c.2848C>T variant is predicted to result in premature protein termination (p.Gln950*). To our knowledge, this variant has not been reported in the literature. This variant is reported in 0.00079% of alleles in individuals of European (Non-Finnish) descent in gnomAD. Nonsense variants in OPLAH are expected to be pathogenic. This variant is interpreted as likely pathogenic.